The following is an entry in ClinVar:

ClinVar aggregate classification (germline): Uncertain significance (1 of 4 stars; one submission).

Conditions:
Charcot-Marie-Tooth Neuropathy X. Identifiers: MedGen CN118851.
Combined oxidative phosphorylation deficiency. Identifiers: MedGen C4540031, MONDO:0000732.

Submission:

Labcorp Genetics (formerly Invitae), Labcorp
Classification: Uncertain significance for Charcot-Marie-Tooth Neuropathy X; Combined oxidative phosphorylation deficiency. Last evaluated: 2024-05-31. Review status: criteria provided, single submitter. Criteria: Invitae Variant Classification Sherloc (09022015). Collection method: clinical testing. Allele origin: germline.
Comment: This sequence change replaces proline, which is neutral and non-polar, with threonine, which is neutral and polar, at codon 503 of the AIFM1 protein (p.Pro503Thr). This variant is not present in population databases (gnomAD no frequency). This variant has not been reported in the literature in individuals affected with AIFM1-related conditions. Advanced modeling of protein sequence and biophysical properties (such as structural, functional, and spatial information, amino acid conservation, physicochemical variation, residue mobility, and thermodynamic stability) has been performed at Invitae for this missense variant, however the output from this modeling did not meet the statistical confidence thresholds required to predict the impact of this variant on AIFM1 protein function. In summary, the available evidence is currently insufficient to determine the role of this variant in disease. Therefore, it has been classified as a Variant of Uncertain Significance.

NM_004208.4(AIFM1):c.1507C>A (p.Pro503Thr)

Genes: AIFM1 (apoptosis inducing factor mitochondria associated 1; minus strand), RAB33A (RAB33A, member RAS oncogene family; plus strand). Cytogenetic location: Xq26.1.
Variant type: single nucleotide variant.
Coding change: c.1507C>A on transcript NM_004208.4 (MANE Select); coding-DNA position 1507, C replaced by A.
Protein change: p.Pro503Thr; replaces proline 503 with threonine.
Molecular consequence: missense variant. On other transcripts: 3 prime UTR variant (1), non-coding transcript variant (1).
Genome position (GRCh38, 1-based): chrX:130,131,741, G>T on the plus strand (C>A on the coding strand, the complement: AIFM1 is on the minus strand). VCF-style: chrX-130131741-G-T. GRCh37 (hg19) VCF-style: chrX-129265716-G-T.
Other names: c.490C>A, p.Pro164Thr (NM_001130846.4); c.*735C>A (NM_001130847.4); c.1495C>A, p.Pro499Thr (NM_145812.3); short protein forms P164T, P499T, P503T.
Identifiers: ClinVar variation 3756453 (VCV003756453.2).